The following is an entry in ClinVar:

ClinVar aggregate classification (germline): Uncertain significance (1 of 4 stars; one submission).

Submission:

GeneDx
Classification: Uncertain significance. Last evaluated: 2025-09-03. Review status: criteria provided, single submitter. Criteria: GeneDx Variant Classification Process June 2021. Collection method: clinical testing. Allele origin: germline.
Comment: Not observed at significant frequency in large population cohorts (gnomAD); In silico analysis suggests that this missense variant does not alter protein structure/function; Has not been previously published as pathogenic or benign to our knowledge

NM_013450.4(BAZ2B):c.3206C>A (p.Ala1069Glu)

Gene: BAZ2B (bromodomain adjacent to zinc finger domain 2B; minus strand). Cytogenetic location: 2q24.2.
Variant type: single nucleotide variant.
Coding change: c.3206C>A on transcript NM_013450.4 (MANE Select); coding-DNA position 3206, C replaced by A.
Protein change: p.Ala1069Glu; replaces alanine 1069 with glutamic acid.
Molecular consequence: missense variant.
Genome position (GRCh38, 1-based): chr2:159,389,355, G>T on the plus strand (C>A on the coding strand, the complement: BAZ2B is on the minus strand). VCF-style: chr2-159389355-G-T. GRCh37 (hg19) VCF-style: chr2-160245866-G-T.
Other names: c.3098C>A, p.Ala1033Glu (NM_001289975.1); c.3044C>A, p.Ala1015Glu (NM_001329857.2); c.3131C>A, p.Ala1044Glu (NM_001329858.2); short protein forms A1015E, A1033E, A1044E, A1069E.
Identifiers: ClinVar variation 3767453 (VCV003767453.2).